The following is an entry in ClinVar:

NM_003070.5(SMARCA2):c.846G>T (p.Ala282=)

Gene: SMARCA2 (SWI/SNF related BAF chromatin remodeling complex subunit ATPase 2; plus strand). Cytogenetic location: 9p24.3.
Variant type: single nucleotide variant.
Coding change: c.846G>T on transcript NM_003070.5 (MANE Select); coding-DNA position 846, G replaced by T.
Protein change: p.Ala282=; no amino-acid change (alanine 282 retained).
Molecular consequence: synonymous variant.
Genome position (GRCh38, 1-based): chr9:2,047,284, G>T. VCF-style: chr9-2047284-G-T. GRCh37 (hg19) VCF-style: chr9-2047284-G-T.
Other names: c.846G>T, p.Ala282= (NM_001289396.2, NM_001289397.2, NM_139045.4).
Identifiers: ClinVar variation 2659031 (VCV002659031.23), dbSNP rs2537243194, ClinGen allele CA463707616.

ClinVar aggregate classification (germline): Likely benign (1 of 4 stars; one submission).

Submission:

CeGaT Center for Human Genetics Tuebingen
Classification: Likely benign. Last evaluated: 2023-03-01. Review status: criteria provided, single submitter. Criteria: CeGaT Center For Human Genetics Tuebingen Variant Classification Criteria Version 2. Collection method: clinical testing. Allele origin: germline. Affected: yes. Observed: 1 variant allele.
Comment: SMARCA2: PM2:Supporting, BP4, BP7